The following is an entry in ClinVar:

ClinVar aggregate classification (germline): Benign/Likely benign. Review status: criteria provided, multiple submitters, no conflicts (2 of 4 stars). 9 submissions from 9 submitters: Benign (3); Likely benign (2). 4 of the submissions do not count toward it. Last evaluated 2026-01-31.

Conditions:
Metachromatic leukodystrophy (MLD). Also called: ARSA DEFICIENCY; CEREBROSIDE SULFATASE DEFICIENCY; Cerebral sclerosis diffuse metachromatic form; Arylsulfatase A Deficiency; METACHROMATIC LEUKOENCEPHALOPATHY; SULFATIDE LIPIDOSIS. Identifiers: Orphanet 512, MedGen C0023522, MONDO:0018868, OMIM 250100.

Allele frequency attached by ClinVar (database versions not stated): TOPMed 0.00247; ESP Exome Variant Server 0.00316; gnomAD 0.00358 and 0.00398; 1000 Genomes Project 30x 0.00437; gnomAD exomes 0.00463 and 0.00637; 1000 Genomes Project 0.00479; ExAC 0.00994.

Submissions (9):

Labcorp Genetics (formerly Invitae), Labcorp
Classification: Benign for Metachromatic leukodystrophy. Last evaluated: 2026-01-31. Review status: criteria provided, single submitter. Criteria: Invitae Variant Classification Sherloc (09022015). Collection method: clinical testing. Allele origin: germline.

GeneDx
Classification: Benign. Last evaluated: 2018-09-07. Review status: criteria provided, single submitter. Criteria: GeneDx Variant Classification Process June 2021. Collection method: clinical testing. Allele origin: germline. Affected: yes.

Illumina Laboratory Services, Illumina
Classification: Likely benign for Metachromatic leukodystrophy. Last evaluated: 2018-01-13. Review status: criteria provided, single submitter. Criteria: ICSL Variant Classification Criteria 13 December 2019. Collection method: clinical testing. Allele origin: germline.
Comment: This variant was observed in the ICSL laboratory as part of a predisposition screen in an ostensibly healthy population. It had not been previously curated by ICSL or reported in the Human Gene Mutation Database (HGMD: prior to June 1st, 2018), and was therefore a candidate for classification through an automated scoring system. Utilizing variant allele frequency, disease prevalence and penetrance estimates, and inheritance mode, an automated score was calculated to assess if this variant is too frequent to cause the disease. Based on the score and internal cut-off values, a variant classified as likely benign is not then subjected to further curation. The score for this variant resulted in a classification of likely benign for this disease.

Eurofins Ntd Llc (ga)
Classification: Benign. Last evaluated: 2016-08-12. Review status: criteria provided, single submitter. Criteria: EGL Classification Definitions 2015. Collection method: clinical testing. Allele origin: germline. Observed: 5 variant alleles, 5 heterozygotes.

Breakthrough Genomics
Classification: Likely benign. Review status: criteria provided, single submitter. Criteria: ACMG Guidelines, 2015. Collection method: not provided. Allele origin: germline. Inheritance: Autosomal recessive inheritance. Affected: yes.

Natera, Inc.
Classification: Benign for Metachromatic leukodystrophy. Last evaluated: 2020-09-16. Review status: no assertion criteria provided. Collection method: clinical testing. Allele origin: germline. Not counted in ClinVar's aggregate classification.

Mayo Clinic Laboratories, Mayo Clinic
Classification: Likely benign. Last evaluated: 2017-05-10. Review status: no assertion criteria provided. Collection method: clinical testing. Allele origin: unknown. Not counted in ClinVar's aggregate classification.

Clinical Genetics DNA and cytogenetics Diagnostics Lab, Erasmus MC, Erasmus Medical Center
Classification: Benign. Review status: no assertion criteria provided. Collection method: clinical testing. Allele origin: germline. Affected: yes. Study: VKGL Data-share Consensus. Not counted in ClinVar's aggregate classification.

Clinical Genetics, Academic Medical Center
Classification: Benign. Review status: no assertion criteria provided. Collection method: clinical testing. Allele origin: germline. Affected: yes. Study: VKGL Data-share Consensus. Not counted in ClinVar's aggregate classification.

NM_000487.6(ARSA):c.1002C>T (p.Ser334=)

Gene: ARSA (arylsulfatase A; minus strand). Cytogenetic location: 22q13.33.
Variant type: single nucleotide variant.
Coding change: c.1002C>T on transcript NM_000487.6 (MANE Select); coding-DNA position 1002, C replaced by T.
Protein change: p.Ser334=; no amino-acid change (serine 334 retained).
Molecular consequence: synonymous variant.
Genome position (GRCh38, 1-based): chr22:50,626,041, G>A on the plus strand (C>T on the coding strand, the complement: ARSA is on the minus strand). VCF-style: chr22-50626041-G-A. GRCh37 (hg19) VCF-style: chr22-51064469-G-A.
Other names: c.1002C>T, p.Ser334= (NM_001085425.3, NM_001085426.3, NM_001085427.3); c.744C>T, p.Ser248= (NM_001085428.3, NM_001362782.2).
Identifiers: ClinVar variation 280986 (VCV000280986.27), dbSNP rs147027229, ClinGen allele CA10324842.
Genomic context (GRCh38, chr22:50,626,041, plus strand): 5'-GGTGACATTGGGCAGTGGGGCCCCAGCCAGGGCTGCCAGGGTAGGCAGCAGGTCCAGGGA[G>A]CTGGCCAGCTCGTGGGTCACGCCTGGGGGCAGGAGGCTGGTCAGTCACTCAGTTCGCCAT-3'
Protein context (NP_000478.3, residues 324-344): IAPGVTHELA[Ser334=]SLDLLPTLAA